The following is an entry in ClinVar:

NM_004444.5(EPHB4):c.1724C>T (p.Ser575Leu)

Gene: EPHB4 (EPH receptor B4; minus strand). Cytogenetic location: 7q22.1.
Variant type: single nucleotide variant.
Coding change: c.1724C>T on transcript NM_004444.5 (MANE Select); coding-DNA position 1724, C replaced by T.
Protein change: p.Ser575Leu; replaces serine 575 with leucine.
Molecular consequence: missense variant.
Genome position (GRCh38, 1-based): chr7:100,813,684, G>A on the plus strand (C>T on the coding strand, the complement: EPHB4 is on the minus strand). VCF-style: chr7-100813684-G-A. GRCh37 (hg19) VCF-style: chr7-100411306-G-A.
Other names: short protein forms S575L.
Identifiers: ClinVar variation 2970228 (VCV002970228.3), dbSNP rs60537976, ClinGen allele CA4392863.
Genomic context (GRCh38, chr7:100,813,684, plus strand): 5'-CTATTCCCATCAAATTAGGGCAACCCACCATGTCCGATGAGATACTGTCCGTGTTTGTCC[G>A]AATATTCTGCTTCTCTCCCATTGCTCTGCTTCCTGTAGCCGATGGGAAAGGAACAAAAGG-3'
Protein context (NP_004435.3, residues 565-585): KQSNGREAEY[Ser575Leu]DKHGQYLIGH

ClinVar aggregate classification (germline): Uncertain significance (1 of 4 stars; one submission).

Allele frequency attached by ClinVar (database versions not stated): gnomAD exomes 0.00001; TOPMed 0.00001; ExAC 0.00002; gnomAD 0.00002.
gnomAD v4.1: 16 of 1,613,962 alleles (0.00099%); highest among the groups gnomAD compares: East Asian, 0.0022%; no homozygotes.

Submission:

Labcorp Genetics (formerly Invitae), Labcorp
Classification: Uncertain significance. Last evaluated: 2023-09-29. Review status: criteria provided, single submitter. Criteria: Invitae Variant Classification Sherloc (09022015). Collection method: clinical testing. Allele origin: germline.
Comment: In summary, the available evidence is currently insufficient to determine the role of this variant in disease. Therefore, it has been classified as a Variant of Uncertain Significance. Advanced modeling of protein sequence and biophysical properties (such as structural, functional, and spatial information, amino acid conservation, physicochemical variation, residue mobility, and thermodynamic stability) performed at Invitae indicates that this missense variant is not expected to disrupt EPHB4 protein function. This variant has not been reported in the literature in individuals affected with EPHB4-related conditions. This variant is present in population databases (rs60537976, gnomAD 0.006%). This sequence change replaces serine, which is neutral and polar, with leucine, which is neutral and non-polar, at codon 575 of the EPHB4 protein (p.Ser575Leu).